The following is an entry in ClinVar:

NM_007327.4(GRIN1):c.996T>A (p.Asp332Glu)

Gene: GRIN1 (glutamate ionotropic receptor NMDA type subunit 1; plus strand). Cytogenetic location: 9q34.3.
Variant type: single nucleotide variant.
Coding change: c.996T>A on transcript NM_007327.4 (MANE Select); coding-DNA position 996, T replaced by A.
Protein change: p.Asp332Glu; replaces aspartic acid 332 with glutamic acid.
Molecular consequence: missense variant.
Genome position (GRCh38, 1-based): chr9:137,158,406, T>A. VCF-style: chr9-137158406-T-A. GRCh37 (hg19) VCF-style: chr9-140052858-T-A.
Other names: c.996T>A, p.Asp332Glu (NM_000832.7, NM_021569.4); c.1059T>A, p.Asp353Glu (NM_001185090.2, NM_001185091.2); short protein forms D332E, D353E.
Identifiers: ClinVar variation 1307331 (VCV001307331.5), dbSNP rs1833354106, ClinGen allele CA375715347.

ClinVar aggregate classification (germline): Uncertain significance. Review status: criteria provided, multiple submitters, no conflicts (2 of 4 stars). 2 submissions from 2 submitters: Uncertain significance (2). Last evaluated 2024-06-11.

Conditions:
Neurodevelopmental disorder with or without hyperkinetic movements and seizures, autosomal dominant. Also called: Intellectual disability, autosomal dominant 8. Identifiers: MedGen C3280282, MONDO:0013655, OMIM 614254.

Allele frequency attached by ClinVar (database versions not stated): gnomAD 0.00001.

Submissions (2):

Labcorp Genetics (formerly Invitae), Labcorp
Classification: Uncertain significance for Neurodevelopmental disorder with or without hyperkinetic movements and seizures, autosomal dominant. Last evaluated: 2024-06-11. Review status: criteria provided, single submitter. Criteria: Invitae Variant Classification Sherloc (09022015). Collection method: clinical testing. Allele origin: germline.
Comment: This sequence change replaces aspartic acid, which is acidic and polar, with glutamic acid, which is acidic and polar, at codon 332 of the GRIN1 protein (p.Asp332Glu). This variant is not present in population databases (gnomAD no frequency). This variant has not been reported in the literature in individuals affected with GRIN1-related conditions. ClinVar contains an entry for this variant (Variation ID: 1307331). Algorithms developed to predict the effect of missense changes on protein structure and function output the following: SIFT: "Not Available"; PolyPhen-2: "Benign"; Align-GVGD: "Not Available". The glutamic acid amino acid residue is found in multiple mammalian species, which suggests that this missense change does not adversely affect protein function. In summary, the available evidence is currently insufficient to determine the role of this variant in disease. Therefore, it has been classified as a Variant of Uncertain Significance.

GeneDx
Classification: Uncertain significance. Last evaluated: 2020-02-17. Review status: criteria provided, single submitter. Criteria: GeneDx Variant Classification Process June 2021. Collection method: clinical testing. Allele origin: germline. Affected: yes.
Comment: Not observed in large population cohorts (Lek et al., 2016); In silico analysis, which includes protein predictors and evolutionary conservation, supports that this variant does not alter protein structure/function; Has not been previously published as pathogenic or benign to our knowledge